The following is an entry in ClinVar:

NM_032638.5(GATA2):c.619G>A (p.Asp207Asn)

Gene: GATA2 (GATA binding protein 2; minus strand). Cytogenetic location: 3q21.3.
Variant type: single nucleotide variant.
Coding change: c.619G>A on transcript NM_032638.5 (MANE Select); coding-DNA position 619, G replaced by A.
Protein change: p.Asp207Asn; replaces aspartic acid 207 with asparagine.
Molecular consequence: missense variant.
Genome position (GRCh38, 1-based): chr3:128,485,979, C>T on the plus strand (G>A on the coding strand, the complement: GATA2 is on the minus strand). VCF-style: chr3-128485979-C-T. GRCh37 (hg19) VCF-style: chr3-128204822-C-T.
Other names: c.619G>A, p.Asp207Asn (NM_001145661.2, NM_001145662.1); short protein forms D207N.
Identifiers: ClinVar variation 939864 (VCV000939864.11), dbSNP rs2068691024, ClinGen allele CA354406405.
Genomic context (GRCh38, chr3:128,485,979, plus strand): 5'-TGCCACTTTCCATCTTCATGCTCTCCGTCAGTGACACCTGGTACTTGACGCCGTCCTTGT[C>T]CTCTCCTCGGGCTGCACTACCCCCCGCGGAAGATGAGGCTGGAGACGCAGCCCCCGTGGT-3'
Protein context (NP_116027.2, residues 197-217): SAGGSAARGE[Asp207Asn]KDGVKYQVSL

ClinVar aggregate classification (germline): Uncertain significance. Review status: criteria provided, multiple submitters, no conflicts (2 of 4 stars). 3 submissions from 3 submitters: Uncertain significance (3). Last evaluated 2025-07-20.

Conditions:
Inborn genetic diseases. Identifiers: MedGen C0950123, MeSH D030342.
Deafness-lymphedema-leukemia syndrome. Also called: Lymphedema, primary, with myelodysplasia; Emberger syndrome. Identifiers: Orphanet 3226, MedGen C3279664, MONDO:0013540, OMIM 614038.
Monocytopenia with susceptibility to infections. Also called: Dendritic cell, monocyte, B lymphocyte, and natural killer lymphocyte deficiency; MONOCYTOPENIA AND MYCOBACTERIAL INFECTION SYNDROME; MONOCYTOPENIA WITH SUSCEPTIBILITY TO MYCOBACTERIAL, FUNGAL, AND PAPILLOMAVIRUS INFECTIONS AND MYELODYSPLASIA; COMBINED IMMUNODEFICIENCY WITH SUSCEPTIBILITY TO MYCOBACTERIAL, VIRAL, AND FUNGAL INFECTIONS; GATA2 DEFICIENCY; IMMUNODEFICIENCY 21. Identifiers: Orphanet 228423, MedGen C3280030, MONDO:0013607, OMIM 614172.
Acute myeloid leukemia (AML). Also called: Acute myeloid leukemia, adult; AML adult; Acute non-lymphocytic leukemia; Acute granulocytic leukemia; Leukemia, acute myelogenous, somatic; Leukemia, acute myeloid, somatic. Identifiers: Orphanet 519, MedGen C0023467, MeSH D015470, MONDO:0018874, OMIM 601626, HP:0004808. Disease mechanism: Constitutively activated FLT3.

Allele frequency attached by ClinVar (database versions not stated): gnomAD exomes below 0.00001; TOPMed below 0.00001.
gnomAD v4.1: 1 of 1,614,214 alleles (0.000062%); highest among the groups gnomAD compares: Non-Finnish European, 0.000085%; no homozygotes.

Submissions (3):

Ambry Genetics
Classification: Uncertain significance for Inborn genetic diseases. Last evaluated: 2025-07-20. Review status: criteria provided, single submitter. Criteria: Ambry Variant Classification Scheme 2023. Collection method: clinical testing. Allele origin: germline.
Comment: The p.D207N variant (also known as c.619G>A), located in coding exon 2 of the GATA2 gene, results from a G to A substitution at nucleotide position 619. The aspartic acid at codon 207 is replaced by asparagine, an amino acid with highly similar properties. This amino acid position is conserved. In addition, the in silico prediction for this alteration is inconclusive. Based on the available evidence, the clinical significance of this variant remains unclear.

Baylor Genetics
Classification: Uncertain significance for Acute myeloid leukemia. Last evaluated: 2024-02-14. Review status: criteria provided, single submitter. Criteria: ACMG Guidelines, 2015. Collection method: clinical testing. Allele origin: unknown.

Labcorp Genetics (formerly Invitae), Labcorp
Classification: Uncertain significance for Monocytopenia with susceptibility to infections; Deafness-lymphedema-leukemia syndrome. Last evaluated: 2023-07-17. Review status: criteria provided, single submitter. Criteria: Invitae Variant Classification Sherloc (09022015). Collection method: clinical testing. Allele origin: germline.
Comment: In summary, the available evidence is currently insufficient to determine the role of this variant in disease. Therefore, it has been classified as a Variant of Uncertain Significance. Advanced modeling of protein sequence and biophysical properties (such as structural, functional, and spatial information, amino acid conservation, physicochemical variation, residue mobility, and thermodynamic stability) has been performed at Invitae for this missense variant, however the output from this modeling did not meet the statistical confidence thresholds required to predict the impact of this variant on GATA2 protein function. ClinVar contains an entry for this variant (Variation ID: 939864). This variant has not been reported in the literature in individuals affected with GATA2-related conditions. This variant is not present in population databases (gnomAD no frequency). This sequence change replaces aspartic acid, which is acidic and polar, with asparagine, which is neutral and polar, at codon 207 of the GATA2 protein (p.Asp207Asn).